The following is an entry in ClinVar:

ClinVar aggregate classification (germline): Conflicting classifications of pathogenicity. Review status: criteria provided, conflicting classifications (1 of 4 stars). 6 submissions from 6 submitters: Uncertain significance (3); Likely benign (3). Last evaluated 2026-02-02.

Conditions:
PKD1-related disorder. Also called: PKD1-related condition.
Inborn genetic diseases. Identifiers: MedGen C0950123, MeSH D030342.
Polycystic kidney disease, adult type (PKD1). Also called: Polycystic Kidney Disease 1, Autosomal Dominant; Polycystic kidney disease 1; Polycystic kidney disease 1, severe; POLYCYSTIC KIDNEY DISEASE 1 WITH OR WITHOUT POLYCYSTIC LIVER DISEASE; Polycystic Kidney, Autosomal Dominant; POLYCYSTIC KIDNEY DISEASE, ADULT, TYPE I. Identifiers: MedGen C3149841, MONDO:0008263, OMIM 173900.

Allele frequency attached by ClinVar (database versions not stated): gnomAD 0.00020; gnomAD exomes 0.00020 and 0.00023; TOPMed 0.00020.
gnomAD v4.1: 251 of 1,283,848 alleles (0.02%); highest among the groups gnomAD compares: Admixed American, 0.027%; 1 homozygote.

Submissions (6):

Women's Health and Genetics/Laboratory Corporation of America, LabCorp
Classification: Uncertain significance. Last evaluated: 2026-02-02. Review status: criteria provided, single submitter. Criteria: LabCorp Variant Classification Summary - May 2015. Collection method: clinical testing. Allele origin: germline.
Comment: Variant summary: PKD1 c.11672G>A (p.Arg3891His) results in a non-conservative amino acid change in the encoded protein sequence. Algorithms developed to predict the effect of missense changes on protein structure and function are either unavailable or do not agree on the potential impact of this missense change. The variant allele was found at a frequency of 0.00023 in 13096 control chromosomes. The available data on variant occurrences in the general population are insufficient to allow any conclusion about variant significance. To our knowledge, no occurrence of c.11672G>A in individuals affected with PKD1-related conditions and no experimental evidence demonstrating its impact on protein function have been reported. ClinVar contains an entry for this variant (Variation ID: 871747). Based on the evidence outlined above, the variant was classified as uncertain significance.

Genetic Services Laboratory, University of Chicago
Classification: Uncertain significance. Last evaluated: 2025-11-14. Review status: criteria provided, single submitter. Criteria: ACMG Guidelines, 2015. Collection method: clinical testing. Allele origin: germline.
Comment: The c.11672G>A variant: Results in an amino acid change, p.Arg3891His. Does not appear to have been previously described in individuals with PKD1-related disorders. Is reported in the gnomAD v4 database with a frequency of 0.02% in the Admixed American subpopulation (dbSNP rs950293866). Affects a poorly conserved amino acid residue located in the polycystin cation channel, which is known to be functional. Appears to be benign using several in-silico pathogenicity prediction tools. ClinVar contains an entry for this variant (Variation ID: 871747) Due to insufficient evidence and the lack of functional studies, the clinical significance of the p.Arg3891His variant remains unknown at this time.

PreventionGenetics, part of Exact Sciences
Classification: Likely benign for PKD1-related condition. Last evaluated: 2025-07-23. Review status: criteria provided, single submitter. Criteria: ACMG Guidelines, 2015. Collection method: clinical testing. Allele origin: germline.
Comment: This variant is classified as likely benign based on ACMG/AMP sequence variant interpretation guidelines (Richards et al. 2015 PMID: 25741868, with internal and published modifications).

Fulgent Genetics
Classification: Likely benign for Polycystic kidney disease, adult type. Last evaluated: 2021-11-21. Review status: criteria provided, single submitter. Criteria: ACMG Guidelines, 2015. Collection method: clinical testing. Allele origin: unknown.

Ambry Genetics
Classification: Uncertain significance for Inborn genetic diseases. Last evaluated: 2021-09-15. Review status: criteria provided, single submitter. Criteria: Ambry Variant Classification Scheme 2023. Collection method: clinical testing. Allele origin: germline.

CeGaT Center for Human Genetics Tuebingen
Classification: Likely benign. Last evaluated: 2019-11-01. Review status: criteria provided, single submitter. Criteria: CeGaT Center For Human Genetics Tuebingen Variant Classification Criteria Version 2. Collection method: clinical testing. Allele origin: germline. Affected: yes. Observed: 1 variant allele.

NM_001009944.3(PKD1):c.11672G>A (p.Arg3891His)

Genes: PKD1 (polycystin 1, transient receptor potential channel interacting; minus strand), PKD1-AS1 (PKD1 antisense RNA 1; plus strand). Cytogenetic location: 16p13.3.
Variant type: single nucleotide variant.
Coding change: c.11672G>A on transcript NM_001009944.3 (MANE Select); coding-DNA position 11672, G replaced by A.
Protein change: p.Arg3891His; replaces arginine 3891 with histidine.
Molecular consequence: missense variant. On other transcripts: non-coding transcript variant (1).
Genome position (GRCh38, 1-based): chr16:2,091,463, C>T on the plus strand (G>A on the coding strand, the complement: PKD1 is on the minus strand). VCF-style: chr16-2091463-C-T. GRCh37 (hg19) VCF-style: chr16-2141464-C-T.
Other names: c.11672G>A (NM_001009944.2); c.11669G>A (NM_000296.3); c.11669G>A, p.Arg3890His (NM_000296.4); short protein forms R3890H, R3891H.
Identifiers: ClinVar variation 871747 (VCV000871747.48), dbSNP rs950293866, ClinGen allele CA276766100.